The following is an entry in ClinVar:

NM_001004334.4(GPR179):c.3124G>A (p.Ala1042Thr)

Gene: GPR179 (G protein-coupled receptor 179; minus strand). Cytogenetic location: 17q12.
Variant type: single nucleotide variant.
Coding change: c.3124G>A on transcript NM_001004334.4 (MANE Select); coding-DNA position 3124, G replaced by A.
Protein change: p.Ala1042Thr; replaces alanine 1042 with threonine.
Molecular consequence: missense variant.
Genome position (GRCh38, 1-based): chr17:38,330,445, C>T on the plus strand (G>A on the coding strand, the complement: GPR179 is on the minus strand). VCF-style: chr17-38330445-C-T. GRCh37 (hg19) VCF-style: chr17-36486328-C-T.
Other names: short protein forms A1042T.
Identifiers: ClinVar variation 1360819 (VCV001360819.6), dbSNP rs1001096567, ClinGen allele CA290105356.
Genomic context (GRCh38, chr17:38,330,445, plus strand): 5'-CCACATCATTAGCTTCCCTCTGGTGATGTGCATCCTCTGCGTCCATCTCATTCTCCCCAG[C>T]CCTGCTTTTCTCTACTGCAACAGAGAGGGCCCTCCAGAGCCTGGCTCGAGCTGGGGCAGG-3'
Protein context (NP_001004334.3, residues 1032-1052): ALSVAVEKSR[Ala1042Thr]GENEMDAEDA

ClinVar aggregate classification (germline): Uncertain significance (1 of 4 stars; one submission).

Allele frequency attached by ClinVar (database versions not stated): gnomAD 0.00002.
gnomAD v4.1: 26 of 1,577,132 alleles (0.0016%); highest among the groups gnomAD compares: Non-Finnish European, 0.0022%; no homozygotes.

Submission:

Labcorp Genetics (formerly Invitae), Labcorp
Classification: Uncertain significance. Last evaluated: 2023-08-17. Review status: criteria provided, single submitter. Criteria: Invitae Variant Classification Sherloc (09022015). Collection method: clinical testing. Allele origin: germline.
Comment: This sequence change replaces alanine, which is neutral and non-polar, with threonine, which is neutral and polar, at codon 1042 of the GPR179 protein (p.Ala1042Thr). The frequency data for this variant in the population databases is considered unreliable, as metrics indicate poor data quality at this position in the gnomAD database. This variant has not been reported in the literature in individuals affected with GPR179-related conditions. ClinVar contains an entry for this variant (Variation ID: 1360819). Algorithms developed to predict the effect of missense changes on protein structure and function output the following: SIFT: "Not Available"; PolyPhen-2: "Benign"; Align-GVGD: "Not Available". The threonine amino acid residue is found in multiple mammalian species, which suggests that this missense change does not adversely affect protein function. In summary, the available evidence is currently insufficient to determine the role of this variant in disease. Therefore, it has been classified as a Variant of Uncertain Significance.